The following is an entry in ClinVar:

ClinVar aggregate classification (germline): Likely benign (1 of 4 stars; one submission).

Allele frequency attached by ClinVar (database versions not stated): 1000 Genomes Project 30x 0.00016; 1000 Genomes Project 0.00020; ESP Exome Variant Server 0.00026.
gnomAD v4.1: 431 of 1,565,116 alleles (0.028%); highest among the groups gnomAD compares: Non-Finnish European, 0.029%; no homozygotes.

Submission:

CeGaT Center for Human Genetics Tuebingen
Classification: Likely benign. Last evaluated: 2024-02-01. Review status: criteria provided, single submitter. Criteria: CeGaT Center For Human Genetics Tuebingen Variant Classification Criteria Version 2. Collection method: clinical testing. Allele origin: germline. Affected: yes. Observed: 1 variant allele.
Comment: ZNF292: BP4, BP7

NM_015021.3(ZNF292):c.957A>G (p.Gln319=)

Gene: ZNF292 (zinc finger protein 292; plus strand). Cytogenetic location: 6q14.3.
Variant type: single nucleotide variant.
Coding change: c.957A>G on transcript NM_015021.3 (MANE Select); coding-DNA position 957, A replaced by G.
Protein change: p.Gln319=; no amino-acid change (glutamine 319 retained).
Molecular consequence: synonymous variant.
Genome position (GRCh38, 1-based): chr6:87,245,581, A>G. VCF-style: chr6-87245581-A-G. GRCh37 (hg19) VCF-style: chr6-87955299-A-G.
Other names: c.537A>G, p.Gln179= (NM_001351444.2).
Identifiers: ClinVar variation 3025248 (VCV003025248.22), dbSNP rs368623280, ClinGen allele CA3913761.
Genomic context (GRCh38, chr6:87,245,581, plus strand): 5'-GAGTAAATTACAACAAAGAGTAGAACCATCTATACAAGTGTACCTTGAGAGGTGTCGTCA[A>G]CTTTCTTTGTTAACGAAAACAGTATATCACATTTTCTTCCTGATTAAAGTTATTAATTCA-3'
Protein context (NP_055836.1, residues 309-329): SIQVYLERCR[Gln319=]LSLLTKTVYH